The following is an entry in ClinVar:

ClinVar aggregate classification (germline): Uncertain significance. Review status: criteria provided, single submitter (1 of 4 stars). 2 submissions from 2 submitters: Uncertain significance (1). 1 of the submissions does not count toward it. Last evaluated 2024-10-15.

Conditions:
CREBBP-related disorder. Also called: CREBBP-related condition; CREBBP-related disorders.

Submissions (2):

GeneDx
Classification: Uncertain significance. Last evaluated: 2024-10-15. Review status: criteria provided, single submitter. Criteria: GeneDx Variant Classification Process June 2021. Collection method: clinical testing. Allele origin: germline. Affected: yes.
Comment: Not observed at significant frequency in large population cohorts (gnomAD); In silico analysis supports that this missense variant has a deleterious effect on protein structure/function; Has not been previously published as pathogenic or benign to our knowledge

PreventionGenetics, part of Exact Sciences
Classification: Uncertain significance for CREBBP-related condition. Last evaluated: 2024-05-14. Review status: no assertion criteria provided. Collection method: clinical testing. Allele origin: germline. Not counted in ClinVar's aggregate classification.
Comment: The CREBBP c.5104C>T variant is predicted to result in the amino acid substitution p.Arg1702Cys. To our knowledge, this variant has not been reported in the literature or in a large population database, indicating this variant is rare. At this time, the clinical significance of this variant is uncertain due to the absence of conclusive functional and genetic evidence.

NM_004380.3(CREBBP):c.5104C>T (p.Arg1702Cys)

Gene: CREBBP (CREB binding lysine acetyltransferase; minus strand). Cytogenetic location: 16p13.3.
Variant type: single nucleotide variant.
Coding change: c.5104C>T on transcript NM_004380.3 (MANE Select); coding-DNA position 5104, C replaced by T.
Protein change: p.Arg1702Cys; replaces arginine 1702 with cysteine.
Molecular consequence: missense variant.
Genome position (GRCh38, 1-based): chr16:3,731,260, G>A on the plus strand (C>T on the coding strand, the complement: CREBBP is on the minus strand). VCF-style: chr16-3731260-G-A. GRCh37 (hg19) VCF-style: chr16-3781261-G-A.
Other names: c.4990C>T, p.Arg1664Cys (NM_001079846.1); short protein forms R1664C, R1702C.
Identifiers: ClinVar variation 3344305 (VCV003344305.2).